The following is an entry in ClinVar:

NM_001739.2(CA5A):c.472C>T (p.His158Tyr)

Gene: CA5A (carbonic anhydrase 5A; minus strand). Cytogenetic location: 16q24.2.
Variant type: single nucleotide variant.
Coding change: c.472C>T on transcript NM_001739.2 (MANE Select); coding-DNA position 472, C replaced by T.
Protein change: p.His158Tyr; replaces histidine 158 with tyrosine.
Molecular consequence: missense variant. On other transcripts: non-coding transcript variant (2).
Genome position (GRCh38, 1-based): chr16:87,902,508, G>A on the plus strand (C>T on the coding strand, the complement: CA5A is on the minus strand). VCF-style: chr16-87902508-G-A. GRCh37 (hg19) VCF-style: chr16-87936114-G-A.
Other names: c.472C>T, p.His158Tyr (NM_001367225.1); short protein forms H158Y.
Identifiers: ClinVar variation 3903349 (VCV003903349.1).

ClinVar aggregate classification (germline): Uncertain significance (1 of 4 stars; one submission).

Submission:

GeneDx
Classification: Uncertain significance. Last evaluated: 2024-12-12. Review status: criteria provided, single submitter. Criteria: GeneDx Variant Classification Process June 2021. Collection method: clinical testing. Allele origin: germline. Affected: yes.
Comment: Not observed at significant frequency in large population cohorts (gnomAD); In silico analysis supports that this missense variant has a deleterious effect on protein structure/function; Has not been previously published as pathogenic or benign to our knowledge